The following is an entry in ClinVar:

NM_031372.4(HNRNPDL):c.38C>T (p.Pro13Leu)

Gene: HNRNPDL (heterogeneous nuclear ribonucleoprotein D like; minus strand). Cytogenetic location: 4q21.22.
Variant type: single nucleotide variant.
Coding change: c.38C>T on transcript NM_031372.4 (MANE Select); coding-DNA position 38, C replaced by T.
Protein change: p.Pro13Leu; replaces proline 13 with leucine.
Molecular consequence: missense variant. On other transcripts: non-coding transcript variant (1).
Genome position (GRCh38, 1-based): chr4:82,429,653, G>A on the plus strand (C>T on the coding strand, the complement: HNRNPDL is on the minus strand). VCF-style: chr4-82429653-G-A. GRCh37 (hg19) VCF-style: chr4-83350806-G-A.
Other names: c.38C>T, p.Pro13Leu (NM_001207000.1); short protein forms P13L.
Identifiers: ClinVar variation 4703479 (VCV004703479.1).

ClinVar aggregate classification (germline): Uncertain significance (1 of 4 stars; one submission).

Conditions:
Autosomal dominant limb-girdle muscular dystrophy type 1G (LGMDD3). Also called: Limb-girdle muscular dystrophy, type 1G; MUSCULAR DYSTROPHY, LIMB-GIRDLE, AUTOSOMAL DOMINANT 3. Identifiers: Orphanet 55596, MedGen C1836765, MONDO:0012193, OMIM 609115.

Submission:

Labcorp Genetics (formerly Invitae), Labcorp
Classification: Uncertain significance for Autosomal dominant limb-girdle muscular dystrophy type 1G. Last evaluated: 2025-01-27. Review status: criteria provided, single submitter. Criteria: Invitae Variant Classification Sherloc (09022015). Collection method: clinical testing. Allele origin: germline.
Comment: This sequence change replaces proline, which is neutral and non-polar, with leucine, which is neutral and non-polar, at codon 13 of the HNRNPDL protein (p.Pro13Leu). This variant is not present in population databases (gnomAD no frequency). This variant has not been reported in the literature in individuals affected with HNRNPDL-related conditions. An algorithm developed to predict the effect of missense changes on protein structure and function (PolyPhen-2) suggests that this variant is likely to be disruptive. In summary, the available evidence is currently insufficient to determine the role of this variant in disease. Therefore, it has been classified as a Variant of Uncertain Significance.